The following is an entry in ClinVar:

ClinVar aggregate classification (germline): Uncertain significance (1 of 4 stars; one submission).

Submission:

Labcorp Genetics (formerly Invitae), Labcorp
Classification: Uncertain significance. Last evaluated: 2025-02-13. Review status: criteria provided, single submitter. Criteria: Invitae Variant Classification Sherloc (09022015). Collection method: clinical testing. Allele origin: germline.
Comment: This sequence change replaces serine, which is neutral and polar, with asparagine, which is neutral and polar, at codon 69 of the LYZ protein (p.Ser69Asn). This variant is not present in population databases (gnomAD no frequency). This variant has not been reported in the literature in individuals affected with LYZ-related conditions. An algorithm developed to predict the effect of missense changes on protein structure and function (PolyPhen-2) suggests that this variant is likely to be disruptive. In summary, the available evidence is currently insufficient to determine the role of this variant in disease. Therefore, it has been classified as a Variant of Uncertain Significance.

NM_000239.3(LYZ):c.206G>A (p.Ser69Asn)

Gene: LYZ (lysozyme; plus strand). Cytogenetic location: 12q15.
Variant type: single nucleotide variant.
Coding change: c.206G>A on transcript NM_000239.3 (MANE Select); coding-DNA position 206, G replaced by A.
Protein change: p.Ser69Asn; replaces serine 69 with asparagine.
Molecular consequence: missense variant.
Genome position (GRCh38, 1-based): chr12:69,350,177, G>A. VCF-style: chr12-69350177-G-A. GRCh37 (hg19) VCF-style: chr12-69743957-G-A.
Other names: short protein forms S69N.
Identifiers: ClinVar variation 4747018 (VCV004747018.1).